The following is an entry in ClinVar:

NM_201525.4(ADGRG1):c.612C>T (p.Pro204=)

Gene: ADGRG1 (adhesion G protein-coupled receptor G1; plus strand). Cytogenetic location: 16q21.
Variant type: single nucleotide variant.
Coding change: c.612C>T on transcript NM_201525.4 (MANE Select); coding-DNA position 612, C replaced by T.
Protein change: p.Pro204=; no amino-acid change (proline 204 retained).
Molecular consequence: synonymous variant. On other transcripts: intron variant (1).
Genome position (GRCh38, 1-based): chr16:57,653,327, C>T. VCF-style: chr16-57653327-C-T. GRCh37 (hg19) VCF-style: chr16-57687239-C-T.
Other names: c.612C>T, p.Pro204= (NM_001145770.3, NM_001145771.3, NM_001145772.3 and 16 more transcripts); c.627C>T, p.Pro209= (NM_001145773.3, NM_001370433.1); c.87C>T, p.Pro29= (NM_001290143.2, NM_001290144.2, NM_001370451.1 and 2 more transcripts); c.456C>T, p.Pro152= (NM_001370442.1); c.111-659C>T (NM_001290142.2).
Identifiers: ClinVar variation 158633 (VCV000158633.46), dbSNP rs147495708, ClinGen allele CA271546.

ClinVar aggregate classification (germline): Conflicting classifications of pathogenicity. Review status: criteria provided, conflicting classifications (1 of 4 stars). 9 submissions from 9 submitters: Uncertain significance (2); Benign (2); Likely benign (3). 2 of the submissions do not count toward it. Last evaluated 2026-01-26.

Conditions:
ADGRG1-related disorder. Also called: ADGRG1-related condition.
Bilateral frontoparietal polymicrogyria. Also called: CEREBELLAR ATAXIA WITH NEURONAL MIGRATION DEFECT; CORTICAL DYSPLASIA, COMPLEX, WITH OTHER BRAIN MALFORMATIONS 14A (BILATERAL FRONTOPARIETAL). Identifiers: Orphanet 101070, MedGen C1847352, MONDO:0011738, OMIM 606854.

Allele frequency attached by ClinVar (database versions not stated): gnomAD 0.00053 and 0.00047; TOPMed 0.00059; ExAC 0.00081; gnomAD exomes 0.00088; ESP Exome Variant Server 0.00046.
gnomAD v4.1: 1,078 of 1,609,364 alleles (0.067%); highest among the groups gnomAD compares: Admixed American, 0.11%; 3 homozygotes.

Submissions (9):

Labcorp Genetics (formerly Invitae), Labcorp
Classification: Benign. Last evaluated: 2026-01-26. Review status: criteria provided, single submitter. Criteria: Invitae Variant Classification Sherloc (09022015). Collection method: clinical testing. Allele origin: germline.

CeGaT Center for Human Genetics Tuebingen
Classification: Likely benign. Last evaluated: 2025-01-01. Review status: criteria provided, single submitter. Criteria: CeGaT Center For Human Genetics Tuebingen Variant Classification Criteria Version 2. Collection method: clinical testing. Allele origin: germline. Affected: yes. Observed: 6 variant alleles.
Comment: ADGRG1: BP4, BP7

Blueprint Genetics
Classification: Likely benign. Last evaluated: 2024-11-26. Review status: criteria provided, single submitter. Criteria: ACMG Guidelines, 2015. Collection method: clinical testing. Allele origin: germline.

Athena Diagnostics
Classification: Benign. Last evaluated: 2024-04-09. Review status: criteria provided, single submitter. Criteria: Athena Diagnostics Criteria. Collection method: clinical testing. Allele origin: unknown.

GeneDx
Classification: Likely benign. Last evaluated: 2020-07-25. Review status: criteria provided, single submitter. Criteria: GeneDx Variant Classification Process June 2021. Collection method: clinical testing. Allele origin: germline. Affected: yes.

Illumina Laboratory Services, Illumina
Classification: Uncertain significance for Bilateral frontoparietal polymicrogyria. Last evaluated: 2018-01-13. Review status: criteria provided, single submitter. Criteria: ICSL Variant Classification Criteria 13 December 2019. Collection method: clinical testing. Allele origin: germline.

Genetic Services Laboratory, University of Chicago
Classification: Uncertain significance for Polymicrogyria, bilateral frontoparietal. Last evaluated: 2013-02-08. Review status: criteria provided, single submitter. Criteria: ACMG Guidelines, 2007. Collection method: clinical testing. Allele origin: germline. Inheritance: Autosomal recessive inheritance.

Natera, Inc.
Classification: Benign for Bilateral frontoparietal polymicrogyria. Last evaluated: 2020-05-29. Review status: no assertion criteria provided. Collection method: clinical testing. Allele origin: germline. Not counted in ClinVar's aggregate classification.

PreventionGenetics, part of Exact Sciences
Classification: Likely benign for ADGRG1-related condition. Last evaluated: 2019-09-26. Review status: no assertion criteria provided. Collection method: clinical testing. Allele origin: germline. Not counted in ClinVar's aggregate classification.
Comment: This variant is classified as likely benign based on ACMG/AMP sequence variant interpretation guidelines (Richards et al. 2015 PMID: 25741868, with internal and published modifications).